The following is an entry in ClinVar:

ClinVar aggregate classification (germline): Uncertain significance. Review status: criteria provided, multiple submitters, no conflicts (2 of 4 stars). 3 submissions from 3 submitters: Uncertain significance (3). Last evaluated 2024-02-27.

Conditions:
Inborn genetic diseases. Identifiers: MedGen C0950123, MeSH D030342.

Allele frequency attached by ClinVar (database versions not stated): TOPMed 0.00001; gnomAD exomes 0.00002.

Submissions (3):

Ambry Genetics
Classification: Uncertain significance for Inborn genetic diseases. Last evaluated: 2024-02-27. Review status: criteria provided, single submitter. Criteria: Ambry Variant Classification Scheme 2023. Collection method: clinical testing. Allele origin: germline.

Labcorp Genetics (formerly Invitae), Labcorp
Classification: Uncertain significance. Last evaluated: 2023-08-24. Review status: criteria provided, single submitter. Criteria: Invitae Variant Classification Sherloc (09022015). Collection method: clinical testing. Allele origin: germline.
Comment: This sequence change replaces glutamic acid, which is acidic and polar, with lysine, which is basic and polar, at codon 153 of the GNPTG protein (p.Glu153Lys). This variant is present in population databases (rs763065729, gnomAD 0.006%). This variant has not been reported in the literature in individuals affected with GNPTG-related conditions. ClinVar contains an entry for this variant (Variation ID: 2147743). Advanced modeling of protein sequence and biophysical properties (such as structural, functional, and spatial information, amino acid conservation, physicochemical variation, residue mobility, and thermodynamic stability) performed at Invitae indicates that this missense variant is expected to disrupt GNPTG protein function. In summary, the available evidence is currently insufficient to determine the role of this variant in disease. Therefore, it has been classified as a Variant of Uncertain Significance.

Blueprint Genetics
Classification: Uncertain significance. Last evaluated: 2020-07-06. Review status: criteria provided, single submitter. Criteria: ACMG Guidelines, 2015. Collection method: clinical testing. Allele origin: germline.

NM_032520.5(GNPTG):c.457G>A (p.Glu153Lys)

Gene: GNPTG (N-acetylglucosamine-1-phosphate transferase subunit gamma; plus strand). Cytogenetic location: 16p13.3.
Variant type: single nucleotide variant.
Coding change: c.457G>A on transcript NM_032520.5 (MANE Select); coding-DNA position 457, G replaced by A.
Protein change: p.Glu153Lys; replaces glutamic acid 153 with lysine.
Molecular consequence: missense variant.
Genome position (GRCh38, 1-based): chr16:1,362,251, G>A. VCF-style: chr16-1362251-G-A. GRCh37 (hg19) VCF-style: chr16-1412252-G-A.
Other names: c.457G>A (NM_032520.4); short protein forms E153K.
Identifiers: ClinVar variation 2147743 (VCV002147743.4), dbSNP rs763065729, ClinGen allele CA276657460.